The following is an entry in ClinVar:

ClinVar aggregate classification (germline): Uncertain significance (1 of 4 stars; one submission).

Conditions:
Lethal multiple pterygium syndrome (LMPS). Identifiers: Orphanet 33108, MedGen C1854678, MONDO:0009668, OMIM 253290.

Submission:

Labcorp Genetics (formerly Invitae), Labcorp
Classification: Uncertain significance for Lethal multiple pterygium syndrome. Last evaluated: 2022-11-08. Review status: criteria provided, single submitter. Criteria: Invitae Variant Classification Sherloc (09022015). Collection method: clinical testing. Allele origin: germline.
Comment: This variant has not been reported in the literature in individuals affected with CHRND-related conditions. ClinVar contains an entry for this variant (Variation ID: 1361959). This variant is not present in population databases (gnomAD no frequency). This variant, c.713_715del, results in the deletion of 1 amino acid(s) of the CHRND protein (p.Phe238del), but otherwise preserves the integrity of the reading frame. In summary, the available evidence is currently insufficient to determine the role of this variant in disease. Therefore, it has been classified as a Variant of Uncertain Significance. Experimental studies and prediction algorithms are not available or were not evaluated, and the functional significance of this variant is currently unknown.

NM_000751.3(CHRND):c.713_715del (p.Phe238del)

Gene: CHRND (cholinergic receptor nicotinic delta subunit; plus strand). Cytogenetic location: 2q37.1.
Variant type: Deletion.
Coding change: c.713_715del on transcript NM_000751.3 (MANE Select); coding-DNA positions 713 to 715, 3 bases deleted (TCT; older notation c.713_715delTCT).
Protein change: p.Phe238del; deletes phenylalanine 238.
Molecular consequence: inframe deletion. On other transcripts: intron variant (1).
Genome position (GRCh38, 1-based): chr2:232,530,032-232,530,034, TCT deleted; deleting any 3 consecutive bases within chr2:232,530,030-232,530,034 gives the same sequence; the c. name uses the placement nearest the transcript's 3' end. VCF-style (leftmost placement, unchanged base first): chr2-232530029-CCTT-C. GRCh37 (hg19) VCF-style: chr2-233394739-CCTT-C.
Other names: c.668_670del, p.Phe223del (NM_001256657.2); c.410_412del, p.Phe137del (NM_001311196.2); c.239-1320_239-1318del (NM_001311195.2); short protein forms F238del, F223del, F137del.
Identifiers: ClinVar variation 1361959 (VCV001361959.5), dbSNP rs2106210087, ClinGen allele CA2573135600.